The following is an entry in ClinVar:

ClinVar aggregate classification (oncogenicity): Likely oncogenic (1 of 4 stars; one submission).

Conditions:
Acute myeloid leukemia (AML). Also called: Acute myeloid leukemia, adult; AML adult; Acute non-lymphocytic leukemia; Acute granulocytic leukemia; Leukemia, acute myeloid, somatic; Leukemia, acute myelogenous, somatic. Identifiers: Orphanet 519, MedGen C0023467, MeSH D015470, MONDO:0018874, OMIM 601626, HP:0004808. Disease mechanism: Constitutively activated FLT3.

Submission:

Center for Virology of Infectious and Tropical Diseases (CVMIT), Mohammed V Military Teaching Hospital
Classification: Likely oncogenic for Acute myeloid leukemia. Last evaluated: 2026-10-16. Review status: criteria provided, single submitter. Criteria: ClinGen/CGC/VICC Guidelines for Oncogenicity, 2022. Collection method: research. Allele origin: somatic. Affected: yes. Observed: 1 variant allele.
Comment: ETV6 p.Phe87SerfsTer3. Oncogenicity classified with the ClinGen/CGC/VICC SOP (Horak et al. 2022, PMID:35101336). Criteria applied: OVS1: frameshift (p.Phe87SerfsTer3) truncating ETV6 within the PNT domain, upstream of the ETS DNA-binding domain; ETV6 is a bona fide tumour suppressor in myeloid neoplasms, with recurrent somatic loss-of-function variants in MDS/AML (PMID:21714648) and germline loss-of-function predisposition to haematological malignancy (PMID:25581430). Total 8 points (Likely oncogenic). ClinVar at analysis (release 2022-07-09, used by Ion Reporter): not present. No current ClinVar record (consulted 2026-10-29).

Literature cited by the submitters: PubMed 21714648; PubMed 25581430.

NM_001987.5(ETV6):c.257_258insCTCT (p.Phe87fs)

Genes: ETV6 (ETS variant transcription factor 6; plus strand), LOC126861451 (BRD4-independent group 4 enhancer GRCh37_chr12:11991350-11992549; plus strand). Cytogenetic location: 12p13.2.
Variant type: Insertion.
Coding change: c.257_258insCTCT on transcript NM_001987.5 (MANE Select); coding-DNA positions 257 to 258, CTCT inserted.
Protein change: p.Phe87fs; shifts the reading frame from phenylalanine 87.
Molecular consequence: frameshift variant. On other transcripts: 5 prime UTR variant (1).
Genome position: GRCh38 VCF-style: chr12-11839233-C-CCTCT. GRCh37 (hg19) VCF-style: chr12-11992167-C-CCTCT.
Other names: c.254_255insCTCT, p.Phe86fs (NM_001413913.1); c.230_231insCTCT, p.Phe78fs (NM_001413914.1); c.-8_-7insCTCT (NM_001413915.1); c.257_258insCTCT, p.Phe87fs (NM_001413916.1, NM_001413917.1, NM_001413918.1); short protein forms F78fs, F86fs, F87fs.
Identifiers: ClinVar variation 5038032 (VCV005038032.1).
Genomic context (GRCh38, chr12:11,839,233, plus strand): 5'-TAGCCCAGTGGCTCAAGTGGGCTGAAAATGAGTTTTCTTTAAGGCCAATTGACAGCAACA[C>CCTCT]GTTTGAAATGAATGGCAAAGCTCTCCTGCTGCTGACCAAAGAGGACTTTCGCTATCGATC-3'